The following is an entry in ClinVar:

ClinVar aggregate classification (germline): Uncertain significance (1 of 4 stars; one submission).

Conditions:
Hepatitis B virus, susceptibility to. Also called: HBV, SUSCEPTIBILITY TO. Identifiers: MedGen C1864880, MONDO:0012488, OMIM 610424.
Inflammatory bowel disease 25. Also called: Inflammatory bowel disease 25, early onset, autosomal recessive. Identifiers: Orphanet 238569, MedGen C2675508, MONDO:0012941, OMIM 612567.

gnomAD v4.1: 50 of 1,613,938 alleles (0.0031%); highest among the groups gnomAD compares: East Asian, 0.11%; no homozygotes.

Submission:

Juno Genomics, Hangzhou Juno Genomics, Inc
Classification: Uncertain significance for Hepatitis B virus, susceptibility to; Inflammatory bowel disease 25. Review status: criteria provided, single submitter. Criteria: ACMG Guidelines, 2015. Collection method: clinical testing. Allele origin: germline.
Comment: Absent from controls (or at extremely low frequency if recessive) in Genome Aggregation Database.;Multiple lines of computational evidence support a deleterious effect on the gene or gene product.

NM_000628.5(IL10RB):c.70C>A (p.Pro24Thr)

Genes: IFNAR2-IL10RB (IFNAR2-IL10RB readthrough; plus strand), IL10RB (interleukin 10 receptor subunit beta; plus strand). Cytogenetic location: 21q22.11.
Variant type: single nucleotide variant.
Coding change: c.70C>A on transcript NM_000628.5 (MANE Select); coding-DNA position 70, C replaced by A.
Protein change: p.Pro24Thr; replaces proline 24 with threonine.
Molecular consequence: missense variant. On other transcripts: non-coding transcript variant (1).
Genome position (GRCh38, 1-based): chr21:33,268,414, C>A. VCF-style: chr21-33268414-C-A. GRCh37 (hg19) VCF-style: chr21-34640719-C-A.
Other names: c.730C>A, p.Pro244Thr (NM_001414505.1); c.70C>A, p.Pro24Thr (NM_001405849.1, NM_001405850.1, NM_001406840.1); short protein forms P244T, P24T.
Identifiers: ClinVar variation 5006412 (VCV005006412.2).